The following is an entry in ClinVar:

NM_153717.3(EVC):c.2191G>T (p.Glu731Ter)

Gene: EVC (EvC ciliary complex subunit 1; plus strand). Cytogenetic location: 4p16.2.
Variant type: single nucleotide variant.
Coding change: c.2191G>T on transcript NM_153717.3 (MANE Select); coding-DNA position 2191, G replaced by T.
Protein change: p.Glu731Ter; replaces glutamic acid 731 with a stop codon.
Molecular consequence: nonsense.
Genome position (GRCh38, 1-based): chr4:5,798,679, G>T. VCF-style: chr4-5798679-G-T. GRCh37 (hg19) VCF-style: chr4-5800406-G-T.
Other names: c.2191G>T, p.Glu731Ter (NM_001306090.2); short protein forms E731*.
Identifiers: ClinVar variation 1725397 (VCV001725397.7), dbSNP rs2474424607, ClinGen allele CA356145185.

ClinVar aggregate classification (germline): Pathogenic/Likely pathogenic. Review status: criteria provided, multiple submitters, no conflicts (2 of 4 stars). 2 submissions from 2 submitters: Pathogenic (1); Likely pathogenic (1). Last evaluated 2022-09-09.

Conditions:
Ellis-van Creveld syndrome (EVC). Also called: EVC-Related Ellis-van Creveld Syndrome; EVC2-Related Ellis-van Creveld Syndrome; MESOECTODERMAL DYSPLASIA; Chondroectodermal dysplasia. Identifiers: Orphanet 289, MedGen C0013903, MONDO:0009162, OMIM 225500.
Curry-Hall syndrome (WAD). Also called: WEYERS ACRODENTAL DYSOSTOSIS. Identifiers: Orphanet 952, MedGen C0457013, MONDO:0008673, OMIM 193530.

Submissions (2):

Labcorp Genetics (formerly Invitae), Labcorp
Classification: Pathogenic for Curry-Hall syndrome; Ellis-van Creveld syndrome. Last evaluated: 2022-09-09. Review status: criteria provided, single submitter. Criteria: Invitae Variant Classification Sherloc (09022015). Collection method: clinical testing. Allele origin: germline.
Comment: For these reasons, this variant has been classified as Pathogenic. This variant has not been reported in the literature in individuals affected with EVC-related conditions. This variant is not present in population databases (gnomAD no frequency). This sequence change creates a premature translational stop signal (p.Glu731*) in the EVC gene. It is expected to result in an absent or disrupted protein product. Loss-of-function variants in EVC are known to be pathogenic (PMID: 23220543).

Myriad Genetics, Inc.
Classification: Likely pathogenic for Ellis-van Creveld syndrome. Last evaluated: 2022-03-17. Review status: criteria provided, single submitter. Criteria: Myriad Women's Health Autosomal Recessive and X-Linked Classification Criteria (2021). Collection method: clinical testing. Allele origin: unknown.
Comment: NM_153717.2(EVC):c.2191G>T(E731*) is expected to be pathogenic in the context of EVC-related Ellis-van Creveld syndrome. This variant is predicted to lead to an abnormal or absent protein product due to the creation of a premature termination codon in EVC, a gene where loss-of-function variants are known to be pathogenic. Please note: this variant was assessed in the context of healthy population screening.

Literature cited by the submitters: PubMed 23220543 (cited by Labcorp Genetics (formerly Invitae), Labcorp).